The following is an entry in ClinVar:

ClinVar aggregate classification (germline): Uncertain significance (1 of 4 stars; one submission).

Conditions:
Familial adenomatous polyposis 2. Also called: MYH-associated polyposis; Adenomas, multiple colorectal; COLORECTAL ADENOMATOUS POLYPOSIS, AUTOSOMAL RECESSIVE; ADENOMAS, MULTIPLE COLORECTAL, AUTOSOMAL RECESSIVE; FAP type 2; MUTYH Polyposis. Identifiers: Orphanet 220460, Orphanet 247798, MedGen C3272841, MONDO:0012041, OMIM 608456.

Submission:

Labcorp Genetics (formerly Invitae), Labcorp
Classification: Uncertain significance for Familial adenomatous polyposis 2. Last evaluated: 2021-08-06. Review status: criteria provided, single submitter. Criteria: Invitae Variant Classification Sherloc (09022015). Collection method: clinical testing. Allele origin: germline.
Comment: In summary, the available evidence is currently insufficient to determine the role of this variant in disease. Therefore, it has been classified as a Variant of Uncertain Significance. Algorithms developed to predict the effect of sequence changes on RNA splicing suggest that this variant may create or strengthen a splice site. This variant has not been reported in the literature in individuals affected with MUTYH-related conditions. This variant is not present in population databases (ExAC no frequency). This sequence change falls in intron 5 of the MUTYH gene. It does not directly change the encoded amino acid sequence of the MUTYH protein.

NM_001048174.2(MUTYH):c.378+13G>T

Gene: MUTYH (mutY DNA glycosylase; minus strand). Cytogenetic location: 1p34.1.
Variant type: single nucleotide variant.
Coding change: c.378+13G>T on transcript NM_001048174.2 (MANE Select); 13 bases into the intron after coding-DNA position 378, G replaced by T.
Molecular consequence: intron variant.
Genome position (GRCh38, 1-based): chr1:45,333,084, C>A on the plus strand (G>T on the coding strand, the complement: MUTYH is on the minus strand). VCF-style: chr1-45333084-C-A. GRCh37 (hg19) VCF-style: chr1-45798756-C-A.
Other names: c.34-125G>T (NM_001350651.2, NM_001350650.2); c.102+13G>T (NM_001293192.2, NM_001293196.2); c.378+13G>T (NM_001048171.2, NM_001048173.2, NM_001293195.2); c.423+13G>T (NM_001293190.2); c.453+13G>T (NM_012222.3); c.462+13G>T (NM_001128425.2); c.381+13G>T (NM_001048172.2); c.411+13G>T (NM_001293191.2).
Identifiers: ClinVar variation 1476178 (VCV001476178.6), dbSNP rs1553129511, ClinGen allele CA2573132096.